The following is an entry in ClinVar:

NM_031407.7(HUWE1):c.5412C>G (p.Ile1804Met)

Gene: HUWE1 (HECT, UBA and WWE domain containing E3 ubiquitin protein ligase 1; minus strand). Cytogenetic location: Xp11.22.
Variant type: single nucleotide variant.
Coding change: c.5412C>G on transcript NM_031407.7 (MANE Select); coding-DNA position 5412, C replaced by G.
Protein change: p.Ile1804Met; replaces isoleucine 1804 with methionine.
Molecular consequence: missense variant.
Genome position (GRCh38, 1-based): chrX:53,583,666, G>C on the plus strand (C>G on the coding strand, the complement: HUWE1 is on the minus strand). VCF-style: chrX-53583666-G-C. GRCh37 (hg19) VCF-style: chrX-53610626-G-C.
Other names: short protein forms I1804M.
Identifiers: ClinVar variation 2989828 (VCV002989828.3), dbSNP rs1473768723, ClinGen allele CA413173655.

ClinVar aggregate classification (germline): Uncertain significance (1 of 4 stars; one submission).

Allele frequency attached by ClinVar (database versions not stated): TOPMed below 0.00001; gnomAD 0.00002.
gnomAD v4.1: 2 of 1,208,677 alleles (0.00017%); highest among the groups gnomAD compares: Non-Finnish European, 0.00022%; no homozygotes.

Submission:

Labcorp Genetics (formerly Invitae), Labcorp
Classification: Uncertain significance. Last evaluated: 2023-02-04. Review status: criteria provided, single submitter. Criteria: Invitae Variant Classification Sherloc (09022015). Collection method: clinical testing. Allele origin: germline.
Comment: In summary, the available evidence is currently insufficient to determine the role of this variant in disease. Therefore, it has been classified as a Variant of Uncertain Significance. Advanced modeling of protein sequence and biophysical properties (such as structural, functional, and spatial information, amino acid conservation, physicochemical variation, residue mobility, and thermodynamic stability) has been performed at Invitae for this missense variant, however the output from this modeling did not meet the statistical confidence thresholds required to predict the impact of this variant on HUWE1 protein function. This variant has not been reported in the literature in individuals affected with HUWE1-related conditions. This variant is present in population databases (no rsID available, gnomAD 0.001%). This sequence change replaces isoleucine, which is neutral and non-polar, with methionine, which is neutral and non-polar, at codon 1804 of the HUWE1 protein (p.Ile1804Met).